The following is an entry in ClinVar:

ClinVar aggregate classification (germline): Likely benign. Review status: criteria provided, multiple submitters, no conflicts (2 of 4 stars). 4 submissions from 4 submitters: Likely benign (3). 1 of the submissions does not count toward it. Last evaluated 2026-03-01.

Conditions:
EML1-related disorder. Also called: EML1-related condition.

Allele frequency attached by ClinVar (database versions not stated): ESP Exome Variant Server 0.00008; gnomAD 0.00016 and 0.00017; TOPMed 0.00017; ExAC 0.00018.
gnomAD v4.1: 282 of 1,608,070 alleles (0.018%); highest among the groups gnomAD compares: Non-Finnish European, 0.021%; no homozygotes.

Submissions (4):

CeGaT Center for Human Genetics Tuebingen
Classification: Likely benign. Last evaluated: 2026-03-01. Review status: criteria provided, single submitter. Criteria: CeGaT Center For Human Genetics Tuebingen Variant Classification Criteria Version 2. Collection method: clinical testing. Allele origin: germline. Affected: yes. Observed: 1 variant allele.
Comment: EML1: BP4, BP7

Labcorp Genetics (formerly Invitae), Labcorp
Classification: Likely benign. Last evaluated: 2025-03-22. Review status: criteria provided, single submitter. Criteria: Invitae Variant Classification Sherloc (09022015). Collection method: clinical testing. Allele origin: germline.

Blueprint Genetics
Classification: Likely benign. Last evaluated: 2024-11-27. Review status: criteria provided, single submitter. Criteria: ACMG Guidelines, 2015. Collection method: clinical testing. Allele origin: germline.

PreventionGenetics, part of Exact Sciences
Classification: Likely benign for EML1-related condition. Last evaluated: 2019-09-20. Review status: no assertion criteria provided. Collection method: clinical testing. Allele origin: germline. Not counted in ClinVar's aggregate classification.
Comment: This variant is classified as likely benign based on ACMG/AMP sequence variant interpretation guidelines (Richards et al. 2015 PMID: 25741868, with internal and published modifications).

NM_004434.3(EML1):c.819C>T (p.Asp273=)

Gene: EML1 (EMAP like 1; plus strand). Cytogenetic location: 14q32.2.
Variant type: single nucleotide variant.
Coding change: c.819C>T on transcript NM_004434.3 (MANE Select); coding-DNA position 819, C replaced by T.
Protein change: p.Asp273=; no amino-acid change (aspartic acid 273 retained).
Molecular consequence: synonymous variant.
Genome position (GRCh38, 1-based): chr14:99,897,286, C>T. VCF-style: chr14-99897286-C-T. GRCh37 (hg19) VCF-style: chr14-100363623-C-T.
Other names: c.876C>T, p.Asp292= (NM_001008707.2); c.780C>T, p.Asp260= (NM_001375411.1); c.819C>T, p.Asp273= (NM_001375412.1).
Identifiers: ClinVar variation 762506 (VCV000762506.14), dbSNP rs200809929, ClinGen allele CA7342432.
Genomic context (GRCh38, chr14:99,897,286, plus strand): 5'-GGTGGTGTTATACAACGTGGAGGAGCAACTGCAGAGGCATTACGCTGGCCACAACGATGA[C>T]GTGAAGTGGTAAGTCCTGAAACAGGTCATTCCTGCGACTCAGAAGGCGAAGGTAGGAGGA-3'
Protein context (NP_004425.2, residues 263-283): LQRHYAGHND[Asp273=]VKCLAVHPDR